The following is an entry in ClinVar:

NM_001277115.2(DNAH11):c.9430C>T (p.Gln3144Ter)

Gene: DNAH11 (dynein axonemal heavy chain 11; plus strand). Cytogenetic location: 7p15.3.
Variant type: single nucleotide variant.
Coding change: c.9430C>T on transcript NM_001277115.2 (MANE Select); coding-DNA position 9430, C replaced by T.
Protein change: p.Gln3144Ter; replaces glutamine 3144 with a stop codon.
Molecular consequence: nonsense.
Genome position (GRCh38, 1-based): chr7:21,779,051, C>T. VCF-style: chr7-21779051-C-T. GRCh37 (hg19) VCF-style: chr7-21818669-C-T.
Other names: NM_001277115.2(DNAH11):c.9430C>T; p.Gln3144Ter; c.9451C>T, p.Gln3151Ter (NM_003777.3); short protein forms Q3144*, Q3151*.
Identifiers: ClinVar variation 1767001 (VCV001767001.3), dbSNP rs1428188386, ClinGen allele CA366937754.

ClinVar aggregate classification (germline): Pathogenic/Likely pathogenic. Review status: criteria provided, multiple submitters, no conflicts (2 of 4 stars). 2 submissions from 2 submitters: Pathogenic (1); Likely pathogenic (1). Last evaluated 2025-02-19.

Conditions:
Primary ciliary dyskinesia. Also called: Ciliary dyskinesia. Identifiers: Orphanet 244, MedGen C0008780, MONDO:0016575, HP:0012265.
Primary ciliary dyskinesia 7. Also called: CILIARY DYSKINESIA, PRIMARY, 7, WITH OR WITHOUT SITUS INVERSUS. Identifiers: Orphanet 244, MedGen C2678473, MONDO:0012748, OMIM 611884.

gnomAD v4.1: 2 of 1,613,294 alleles (0.00012%); highest among the groups gnomAD compares: African/African-American, 0.0027%; no homozygotes.

Submissions (2):

Broad Center for Mendelian Genomics, Broad Institute of MIT and Harvard
Classification: Likely pathogenic for Primary ciliary dyskinesia 7. Last evaluated: 2025-02-19. Review status: criteria provided, single submitter. Criteria: ACMG Guidelines, 2015. Collection method: curation. Allele origin: germline. Inheritance: Autosomal recessive inheritance.
Comment: The p.Gln3144Ter variant in DNAH11 has not been previously reported in the literature in individuals with primary ciliary dyskinesia, but has been identified in 0.003% (2/74884) of African/African American chromosomes by the Genome Aggregation Database (gnomAD; dbSNP rs1428188386). Although this variant has been seen in the general population in a heterozygous state, its frequency is low enough to be consistent with a recessive carrier frequency. This variant has also been reported in ClinVar (Variation ID: 1767001) and has been interpreted as pathogenic by Ambry Genetics. This nonsense variant leads to a premature termination codon at position 3144, which is predicted to lead to a truncated or absent protein. Loss of function of the DNAH11 gene is an established disease mechanism in primary ciliary dyskinesia. In summary, although additional studies are required to fully establish its clinical significance, this variant is likely pathogenic for autosomal recessive primary ciliary dyskinesia. ACMG/AMP Criteria applied: PVS1, PM2_supporting (Richards 2015).

Ambry Genetics
Classification: Pathogenic for Primary ciliary dyskinesia. Last evaluated: 2015-01-23. Review status: criteria provided, single submitter. Criteria: Ambry Variant Classification Scheme 2023. Collection method: clinical testing. Allele origin: germline.
Comment: The p.Q3151* variant (also known as c.9451C>T) located in coding exon 57 of the DNAH11 gene, results from a C to T substitution at nucleotide position 9451. This changes the amino acid from a glutamine to a stop codon within coding exon 57. This amino acid position is completely conserved on sequence alignment. This splice prediction software does not predict a deleterious effect on splicing. Since premature stop codons are typically deleterious in nature, this alteration is interpreted as a disease-causing mutation (ACMG Recommendations for Standards for Interpretation and Reporting of Sequence Variations. Revision 2007. Genet Med. 2008;10:294). Based on the supporting evidence, p.Q3151* is interpreted as a disease-causing mutation.